The following is an entry in ClinVar:

NM_001364905.1(LRBA):c.2582T>C (p.Leu861Pro)

Gene: LRBA (LPS responsive beige-like anchor protein; minus strand). Cytogenetic location: 4q31.3.
Variant type: single nucleotide variant.
Coding change: c.2582T>C on transcript NM_001364905.1 (MANE Select); coding-DNA position 2582, T replaced by C.
Protein change: p.Leu861Pro; replaces leucine 861 with proline.
Molecular consequence: missense variant.
Genome position (GRCh38, 1-based): chr4:150,867,855, A>G on the plus strand (T>C on the coding strand, the complement: LRBA is on the minus strand). VCF-style: chr4-150867855-A-G. GRCh37 (hg19) VCF-style: chr4-151789007-A-G.
Other names: c.2582T>C, p.Leu861Pro (NM_001199282.3, NM_001367550.1, NM_006726.5); short protein forms L861P.
Identifiers: ClinVar variation 1719214 (VCV001719214.6), dbSNP rs765319761, ClinGen allele CA3103190.

ClinVar aggregate classification (germline): Uncertain significance. Review status: criteria provided, multiple submitters, no conflicts (2 of 4 stars). 2 submissions from 2 submitters: Uncertain significance (2). Last evaluated 2023-05-16.

Conditions:
Combined immunodeficiency due to LRBA deficiency. Also called: Common variable immunodeficiency 8, with autoimmunity. Identifiers: Orphanet 445018, MedGen C3553512, MONDO:0013863, OMIM 614700.

Allele frequency attached by ClinVar (database versions not stated): ExAC 0.00001; gnomAD 0.00001; gnomAD exomes 0.00001.
gnomAD v4.1: 4 of 1,606,850 alleles (0.00025%); highest among the groups gnomAD compares: Non-Finnish European, 0.000085%; no homozygotes.

Submissions (2):

Labcorp Genetics (formerly Invitae), Labcorp
Classification: Uncertain significance for Combined immunodeficiency due to LRBA deficiency. Last evaluated: 2023-05-16. Review status: criteria provided, single submitter. Criteria: Invitae Variant Classification Sherloc (09022015). Collection method: clinical testing. Allele origin: germline.
Comment: This sequence change replaces leucine, which is neutral and non-polar, with proline, which is neutral and non-polar, at codon 861 of the LRBA protein (p.Leu861Pro). This variant is present in population databases (rs765319761, gnomAD 0.009%). This variant has not been reported in the literature in individuals affected with LRBA-related conditions. ClinVar contains an entry for this variant (Variation ID: 1719214). Advanced modeling of protein sequence and biophysical properties (such as structural, functional, and spatial information, amino acid conservation, physicochemical variation, residue mobility, and thermodynamic stability) performed at Invitae indicates that this missense variant is expected to disrupt LRBA protein function. In summary, the available evidence is currently insufficient to determine the role of this variant in disease. Therefore, it has been classified as a Variant of Uncertain Significance.

Blueprint Genetics
Classification: Uncertain significance. Last evaluated: 2021-01-29. Review status: criteria provided, single submitter. Criteria: ACMG Guidelines, 2015. Collection method: clinical testing. Allele origin: germline.